The following is an entry in ClinVar:

ClinVar aggregate classification (germline): Likely benign. Review status: criteria provided, multiple submitters, no conflicts (2 of 4 stars). 4 submissions from 4 submitters: Likely benign (4). Last evaluated 2026-06-16.

Conditions:
H syndrome. Also called: HISTIOCYTOSIS AND LYMPHADENOPATHY WITH OR WITHOUT CUTANEOUS, CARDIAC, AND/OR ENDOCRINE FEATURES, JOINT CONTRACTURES, AND/OR DEAFNESS; HYPERPIGMENTATION, CUTANEOUS, WITH HYPERTRICHOSIS, HEPATOSPLENOMEGALY, HEART ANOMALIES, AND HYPOGONADISM WITH OR WITHOUT HEARING LOSS; PIGMENTED HYPERTRICHOSIS WITH INSULIN-DEPENDENT DIABETES MELLITUS; ROSAI-DORFMAN DISEASE, FAMILIAL; SINUS HISTIOCYTOSIS AND MASSIVE LYMPHADENOPATHY; Hyperpigmentation, Cutaneous, with Hypertrichosis, Hepatosplenomegaly, Heart Anomalies, Hearing Loss, and Hypogonadism. Identifiers: Orphanet 168569, MedGen C1864445, MONDO:0011273, OMIM 602782.
SLC29A3-related disorder. Also called: SLC29A3-related condition.

Allele frequency attached by ClinVar (database versions not stated): gnomAD exomes 0.00001 and 0.00005; gnomAD 0.00003 and 0.00004; TOPMed 0.00004; ExAC 0.00005.
gnomAD v4.1: 60 of 1,614,114 alleles (0.0037%); highest among the groups gnomAD compares: East Asian, 0.045%; 1 homozygote.

Submissions (4):

PreventionGenetics, part of Exact Sciences
Classification: Likely benign for SLC29A3-related condition. Last evaluated: 2026-06-16. Review status: criteria provided, single submitter. Criteria: ACMG Guidelines, 2015. Collection method: clinical testing. Allele origin: germline.
Comment: This variant is classified as likely benign based on ACMG/AMP sequence variant interpretation guidelines (Richards et al. 2015 PMID: 25741868, with internal and published modifications).

Women's Health and Genetics/Laboratory Corporation of America, LabCorp
Classification: Likely benign. Last evaluated: 2026-03-31. Review status: criteria provided, single submitter. Criteria: LabCorp Variant Classification Summary - May 2015. Collection method: clinical testing. Allele origin: germline.

Labcorp Genetics (formerly Invitae), Labcorp
Classification: Likely benign for H syndrome. Last evaluated: 2026-01-18. Review status: criteria provided, single submitter. Criteria: Invitae Variant Classification Sherloc (09022015). Collection method: clinical testing. Allele origin: germline.

Blueprint Genetics
Classification: Likely benign. Last evaluated: 2024-10-16. Review status: criteria provided, single submitter. Criteria: ACMG Guidelines, 2015. Collection method: clinical testing. Allele origin: germline.

NM_018344.6(SLC29A3):c.420G>A (p.Thr140=)

Gene: SLC29A3 (solute carrier family 29 member 3; plus strand). Cytogenetic location: 10q22.1.
Variant type: single nucleotide variant.
Coding change: c.420G>A on transcript NM_018344.6 (MANE Select); coding-DNA position 420, G replaced by A.
Protein change: p.Thr140=; no amino-acid change (threonine 140 retained).
Molecular consequence: synonymous variant. On other transcripts: non-coding transcript variant (1).
Genome position (GRCh38, 1-based): chr10:71,351,598, G>A. VCF-style: chr10-71351598-G-A. GRCh37 (hg19) VCF-style: chr10-73111355-G-A.
Other names: c.420G>A, p.Thr140= (NM_001174098.2); c.186G>A, p.Thr62= (NM_001363518.2).
Identifiers: ClinVar variation 655424 (VCV000655424.11), dbSNP rs374748823, ClinGen allele CA5542930.